The following is an entry in ClinVar:

ClinVar aggregate classification (germline): Likely benign (1 of 4 stars; one submission).

Allele frequency attached by ClinVar (database versions not stated): gnomAD 0.00221; gnomAD exomes 0.00389; ExAC 0.00143.
gnomAD v4.1: 1,080 of 1,089,814 alleles (0.099%); highest among the groups gnomAD compares: Admixed American, 0.24%; 8 homozygotes.

Submission:

CeGaT Center for Human Genetics Tuebingen
Classification: Likely benign. Last evaluated: 2024-03-01. Review status: criteria provided, single submitter. Criteria: CeGaT Center For Human Genetics Tuebingen Variant Classification Criteria Version 2. Collection method: clinical testing. Allele origin: germline. Affected: yes. Observed: 2 variant alleles.
Comment: RRBP1: BP4, BP7

NM_001365613.2(RRBP1):c.1116T>C (p.Ala372=)

Gene: RRBP1 (ribosome binding protein 1; minus strand). Cytogenetic location: 20p12.1.
Variant type: single nucleotide variant.
Coding change: c.1116T>C on transcript NM_001365613.2 (MANE Select); coding-DNA position 1116, T replaced by C.
Protein change: p.Ala372=; no amino-acid change (alanine 372 retained).
Molecular consequence: synonymous variant. On other transcripts: intron variant (2).
Genome position (GRCh38, 1-based): chr20:17,659,392, A>G on the plus strand (T>C on the coding strand, the complement: RRBP1 is on the minus strand). VCF-style: chr20-17659392-A-G. GRCh37 (hg19) VCF-style: chr20-17640037-A-G.
Other names: c.528+588T>C (NM_004587.3, NM_001042576.2).
Identifiers: ClinVar variation 2652218 (VCV002652218.24), dbSNP rs199627205, ClinGen allele CA9773952.